The following is an entry in ClinVar:

ClinVar aggregate classification (germline): Likely benign. Review status: criteria provided, multiple submitters, no conflicts (2 of 4 stars). 2 submissions from 2 submitters: Likely benign (2). Last evaluated 2023-05-01.

Conditions:
Methylmalonic acidemia with homocystinuria, type cblX (MAHCX). Also called: INTELLECTUAL DEVELOPMENTAL DISORDER, X-LINKED 3. Identifiers: Orphanet 369962, MedGen C0796208, MONDO:0010657, OMIM 309541.

Allele frequency attached by ClinVar (database versions not stated): gnomAD 0.00001; gnomAD exomes 0.00001.
gnomAD v4.1: 8 of 1,207,140 alleles (0.00066%); highest among the groups gnomAD compares: Non-Finnish European, 0.0009%; no homozygotes.

Submissions (2):

Labcorp Genetics (formerly Invitae), Labcorp
Classification: Likely benign for Methylmalonic acidemia with homocystinuria, type cblX. Last evaluated: 2023-05-01. Review status: criteria provided, single submitter. Criteria: Invitae Variant Classification Sherloc (09022015). Collection method: clinical testing. Allele origin: germline.

GeneDx
Classification: Likely benign. Last evaluated: 2017-05-24. Review status: criteria provided, single submitter. Criteria: GeneDx Variant Classification (06012015). Collection method: clinical testing. Allele origin: germline. Affected: yes.
Comment: This variant is considered likely benign or benign based on one or more of the following criteria: it is a conservative change, it occurs at a poorly conserved position in the protein, it is predicted to be benign by multiple in silico algorithms, and/or has population frequency not consistent with disease.

NM_005334.3(HCFC1):c.1728C>T (p.Ile576=)

Gene: HCFC1 (host cell factor C1; minus strand). Cytogenetic location: Xq28.
Variant type: single nucleotide variant.
Coding change: c.1728C>T on transcript NM_005334.3 (MANE Select); coding-DNA position 1728, C replaced by T.
Protein change: p.Ile576=; no amino-acid change (isoleucine 576 retained).
Molecular consequence: synonymous variant.
Genome position (GRCh38, 1-based): chrX:153,958,644, G>A on the plus strand (C>T on the coding strand, the complement: HCFC1 is on the minus strand). VCF-style: chrX-153958644-G-A. GRCh37 (hg19) VCF-style: chrX-153224095-G-A.
Identifiers: ClinVar variation 509673 (VCV000509673.4), dbSNP rs1557115850, ClinGen allele CA519266808.